The following is an entry in ClinVar:

ClinVar aggregate classification (germline): Uncertain significance (1 of 4 stars; one submission).

Conditions:
Developmental and epileptic encephalopathy. Identifiers: MedGen C5779964, MONDO:0100620.

Allele frequency attached by ClinVar (database versions not stated): gnomAD 0.00001.
gnomAD v4.1: 1 of 1,614,050 alleles (0.000062%); highest among the groups gnomAD compares: Admixed American, 0.0017%; no homozygotes.

Submission:

Labcorp Genetics (formerly Invitae), Labcorp
Classification: Uncertain significance for Early-infantile DEE. Last evaluated: 2022-07-07. Review status: criteria provided, single submitter. Criteria: Invitae Variant Classification Sherloc (09022015). Collection method: clinical testing. Allele origin: germline.
Comment: This variant has not been reported in the literature in individuals affected with ST3GAL3-related conditions. Algorithms developed to predict the effect of missense changes on protein structure and function are either unavailable or do not agree on the potential impact of this missense change (SIFT: "Deleterious"; PolyPhen-2: "Possibly Damaging"; Align-GVGD: "Class C0"). In summary, the available evidence is currently insufficient to determine the role of this variant in disease. Therefore, it has been classified as a Variant of Uncertain Significance. This variant is not present in population databases (gnomAD no frequency). This sequence change replaces alanine, which is neutral and non-polar, with threonine, which is neutral and polar, at codon 170 of the ST3GAL3 protein (p.Ala170Thr).

NM_006279.5(ST3GAL3):c.508G>A (p.Ala170Thr)

Gene: ST3GAL3 (ST3 beta-galactoside alpha-2,3-sialyltransferase 3; plus strand). Cytogenetic location: 1p34.1.
Variant type: single nucleotide variant.
Coding change: c.508G>A on transcript NM_006279.5 (MANE Select); coding-DNA position 508, G replaced by A.
Protein change: p.Ala170Thr; replaces alanine 170 with threonine.
Molecular consequence: missense variant. On other transcripts: non-coding transcript variant (7), intron variant (4).
Genome position (GRCh38, 1-based): chr1:43,899,214, G>A. VCF-style: chr1-43899214-G-A. GRCh37 (hg19) VCF-style: chr1-44364886-G-A.
Other names: c.508G>A, p.Ala170Thr (NM_001270459.2, NM_001350620.2, NM_174966.4); c.415G>A, p.Ala139Thr (NM_001270460.2); c.460G>A, p.Ala154Thr (NM_001270461.3, NM_001270464.3, NM_001410781.1 and 1 more transcripts); c.367G>A, p.Ala123Thr (NM_001270462.3); c.505G>A, p.Ala169Thr (NM_001270463.3, NM_001270465.3); c.553G>A, p.Ala185Thr (NM_001350619.2, NM_174964.4); c.229G>A, p.Ala77Thr (NM_001350621.2); c.670G>A, p.Ala224Thr (NM_001363573.2, NM_174968.5); and 6 more; short protein forms A208T, A77T, A169T, A170T, A123T, A139T, A154T, A185T.
Identifiers: ClinVar variation 1977425 (VCV001977425.4), dbSNP rs2077854319, ClinGen allele CA340270007.
Genomic context (GRCh38, chr1:43,899,214, plus strand): 5'-CTCTCTCCCCTCAGCCTCCGCTGCCGCCGCTGCATCATCGTGGGCAATGGAGGCGTTCTT[G>A]CCAACAAGTCTCTGGGGTCACGAATTGACGACTATGACATTGTGGTGAGGTGAGCTCCCC-3'
Protein context (NP_006270.1, residues 160-180): CIIVGNGGVL[Ala170Thr]NKSLGSRIDD